The following is an entry in ClinVar:

NM_000285.4(PEPD):c.17+5G>C

Gene: PEPD (peptidase D; minus strand). Cytogenetic location: 19q13.11.
Variant type: single nucleotide variant.
Coding change: c.17+5G>C on transcript NM_000285.4 (MANE Select); 5 bases into the intron after coding-DNA position 17, G replaced by C.
Molecular consequence: intron variant.
Genome position (GRCh38, 1-based): chr19:33,521,739, C>G on the plus strand (G>C on the coding strand, the complement: PEPD is on the minus strand). VCF-style: chr19-33521739-C-G. GRCh37 (hg19) VCF-style: chr19-34012645-C-G.
Other names: c.17+5G>C (NM_001166057.2, NM_001166056.2).
Identifiers: ClinVar variation 2058446 (VCV002058446.4), dbSNP rs1336244153, ClinGen allele CA2580096785.
Genomic context (GRCh38, chr19:33,521,739, plus strand): 5'-CCGGCCGGGACACCCATGCCCCTCTCCACGCCAGCGGGAAAGAGCGAGGGAGGCGCAGCA[C>G]TCACCCGGTGGCCGCCGCCATGTTCGCCCGGCACCGGCGTCACGTGAAGTGCGGCGTCAG-3'

ClinVar aggregate classification (germline): Uncertain significance (1 of 4 stars; one submission).

Submission:

Labcorp Genetics (formerly Invitae), Labcorp
Classification: Uncertain significance. Last evaluated: 2021-12-24. Review status: criteria provided, single submitter. Criteria: Invitae Variant Classification Sherloc (09022015). Collection method: clinical testing. Allele origin: germline.
Comment: This sequence change falls in intron 1 of the PEPD gene. It does not directly change the encoded amino acid sequence of the PEPD protein. It affects a nucleotide within the consensus splice site. This variant is not present in population databases (gnomAD no frequency). This variant has not been reported in the literature in individuals affected with PEPD-related conditions. Variants that disrupt the consensus splice site are a relatively common cause of aberrant splicing (PMID: 17576681, 9536098). Algorithms developed to predict the effect of sequence changes on RNA splicing suggest that this variant may disrupt the consensus splice site. In summary, the available evidence is currently insufficient to determine the role of this variant in disease. Therefore, it has been classified as a Variant of Uncertain Significance.

Literature cited by the submitters: PubMed 17576681; PubMed 9536098.